The following is an entry in ClinVar:

ClinVar aggregate classification (germline): Pathogenic (1 of 4 stars; one submission).

Submission:

Labcorp Genetics (formerly Invitae), Labcorp
Classification: Pathogenic. Last evaluated: 2021-04-25. Review status: criteria provided, single submitter. Criteria: Invitae Variant Classification Sherloc (09022015). Collection method: clinical testing. Allele origin: germline.
Comment: For these reasons, this variant has been classified as Pathogenic. This variant has not been reported in the literature in individuals with PIH1D3-related conditions. This variant is a gross deletion of the genomic region encompassing exon(s) 3-5 of the PIH1D3 gene, which includes the initiator codon. The 5' end of this event is unknown as it extends beyond the assayed region for this gene and therefore may encompass additional genes. The 3' boundary is likely confined to intron 5 of the PIH1D3 gene. It is expected to result in an absent or disrupted protein product. Loss-of-function variants in PIH1D3 are known to be pathogenic (PMID: 28041644, 28176794).

Literature cited by the submitters: PubMed 28041644; PubMed 28176794.

NC_000023.10:g.(?_106456106)_(106462219_?)del

Gene: DNAAF6 (dynein axonemal assembly factor 6; plus strand). Cytogenetic location: Xq22.3.
Variant type: Deletion.
Identifiers: ClinVar variation 1683166 (VCV001683166.4).